The following is an entry in ClinVar:

ClinVar aggregate classification (germline): Uncertain significance. Review status: criteria provided, multiple submitters, no conflicts (2 of 4 stars). 3 submissions from 3 submitters: Uncertain significance (3). Last evaluated 2021-08-30.

Conditions:
Primary ciliary dyskinesia. Also called: Ciliary dyskinesia. Identifiers: Orphanet 244, MedGen C0008780, MONDO:0016575, HP:0012265.

Allele frequency attached by ClinVar (database versions not stated): ExAC 0.00005; gnomAD 0.00013 and 0.00014; TOPMed 0.00014.
gnomAD v4.1: 49 of 1,613,960 alleles (0.003%); highest among the groups gnomAD compares: Admixed American, 0.073%; no homozygotes.

Submissions (3):

Labcorp Genetics (formerly Invitae), Labcorp
Classification: Uncertain significance for Primary ciliary dyskinesia. Last evaluated: 2021-08-30. Review status: criteria provided, single submitter. Criteria: Invitae Variant Classification Sherloc (09022015). Collection method: clinical testing. Allele origin: germline.
Comment: This sequence change replaces proline with leucine at codon 707 of the DNAAF1 protein (p.Pro707Leu). The proline residue is weakly conserved and there is a moderate physicochemical difference between proline and leucine. This variant is present in population databases (rs757455850, ExAC 0.05%). This variant has not been reported in the literature in individuals affected with DNAAF1-related conditions. ClinVar contains an entry for this variant (Variation ID: 373231). Algorithms developed to predict the effect of missense changes on protein structure and function output the following: SIFT: "Tolerated"; PolyPhen-2: "Probably Damaging"; Align-GVGD: "Class C0". The leucine amino acid residue is found in multiple mammalian species, which suggests that this missense change does not adversely affect protein function. In summary, the available evidence is currently insufficient to determine the role of this variant in disease. Therefore, it has been classified as a Variant of Uncertain Significance.

GeneDx
Classification: Uncertain significance. Last evaluated: 2016-11-23. Review status: criteria provided, single submitter. Criteria: GeneDx Variant Classification (06012015). Collection method: clinical testing. Allele origin: germline. Affected: yes.
Comment: The P707L variant in the DNAAF1 gene has not been reported previously as a pathogenic variant, nor as a benign variant, to our knowledge. The P707L variant was not observed in approximately 6,500 individuals of European and African American ancestry in the NHLBI Exome Sequencing Project, indicating it is not a common benign variant in these populations. The P707L variant is a semi-conservative amino acid substitution, which may impact secondary protein structure as these residues differ in some properties. This substitution occurs at a position that is not conserved. In silico analysis is inconsistent in its predictions as to whether or not the variant is damaging to the protein structure/function. We interpret P707L as a variant of uncertain significance.

Breakthrough Genomics
Classification: Uncertain significance. Review status: criteria provided, single submitter. Criteria: ACMG Guidelines, 2015. Collection method: not provided. Allele origin: germline. Inheritance: Autosomal recessive inheritance. Affected: yes.

NM_178452.6(DNAAF1):c.2120C>T (p.Pro707Leu)

Gene: DNAAF1 (dynein axonemal assembly factor 1; plus strand). Cytogenetic location: 16q24.1.
Variant type: single nucleotide variant.
Coding change: c.2120C>T on transcript NM_178452.6 (MANE Select); coding-DNA position 2120, C replaced by T.
Protein change: p.Pro707Leu; replaces proline 707 with leucine.
Molecular consequence: missense variant.
Genome position (GRCh38, 1-based): chr16:84,177,783, C>T. VCF-style: chr16-84177783-C-T. GRCh37 (hg19) VCF-style: chr16-84211389-C-T.
Other names: c.1412C>T, p.Pro471Leu (NM_001318756.1); short protein forms P707L, P471L.
Identifiers: ClinVar variation 373231 (VCV000373231.8), dbSNP rs757455850, ClinGen allele CA8203175.